The following is an entry in ClinVar:

NM_018127.7(ELAC2):c.1865A>G (p.Glu622Gly)

Gene: ELAC2 (elaC ribonuclease Z 2; minus strand). Cytogenetic location: 17p12.
Variant type: single nucleotide variant.
Coding change: c.1865A>G on transcript NM_018127.7 (MANE Select); coding-DNA position 1865, A replaced by G.
Protein change: p.Glu622Gly; replaces glutamic acid 622 with glycine.
Molecular consequence: missense variant.
Genome position (GRCh38, 1-based): chr17:12,995,006, T>C on the plus strand (A>G on the coding strand, the complement: ELAC2 is on the minus strand). VCF-style: chr17-12995006-T-C. GRCh37 (hg19) VCF-style: chr17-12898323-T-C.
Other names: c.1745A>G, p.Glu582Gly (NM_001165962.2); c.1862A>G, p.Glu621Gly (NM_173717.2); short protein forms E582G, E621G, E622G.
Identifiers: ClinVar variation 1359788 (VCV001359788.8), dbSNP rs119484087, ClinGen allele CA8401040.

ClinVar aggregate classification (germline): Uncertain significance. Review status: criteria provided, multiple submitters, no conflicts (2 of 4 stars). 3 submissions from 3 submitters: Uncertain significance (3). Last evaluated 2025-01-21.

Conditions:
Combined oxidative phosphorylation defect type 17. Also called: Combined oxidative phosphorylation deficiency 17. Identifiers: Orphanet 369913, MedGen C3809526, MONDO:0014190, OMIM 615440.
Prostate cancer, hereditary, 2 (HPC2). Identifiers: Orphanet 1331, MedGen C3539120, MONDO:0013872, OMIM 614731.

Submissions (3):

Labcorp Genetics (formerly Invitae), Labcorp
Classification: Uncertain significance for Combined oxidative phosphorylation defect type 17. Last evaluated: 2025-01-21. Review status: criteria provided, single submitter. Criteria: Invitae Variant Classification Sherloc (09022015). Collection method: clinical testing. Allele origin: germline.
Comment: This sequence change replaces glutamic acid, which is acidic and polar, with glycine, which is neutral and non-polar, at codon 622 of the ELAC2 protein (p.Glu622Gly). This variant is present in population databases (rs119484087, gnomAD 0.02%). This variant has not been reported in the literature in individuals affected with ELAC2-related conditions. ClinVar contains an entry for this variant (Variation ID: 1359788). Invitae Evidence Modeling of protein sequence and biophysical properties (such as structural, functional, and spatial information, amino acid conservation, physicochemical variation, residue mobility, and thermodynamic stability) indicates that this missense variant is not expected to disrupt ELAC2 protein function with a negative predictive value of 80%. In summary, the available evidence is currently insufficient to determine the role of this variant in disease. Therefore, it has been classified as a Variant of Uncertain Significance.

Fulgent Genetics
Classification: Uncertain significance for Prostate cancer, hereditary, 2; Combined oxidative phosphorylation defect type 17. Last evaluated: 2022-04-13. Review status: criteria provided, single submitter. Criteria: ACMG Guidelines, 2015. Collection method: clinical testing. Allele origin: unknown.

Breakthrough Genomics
Classification: Uncertain significance. Review status: criteria provided, single submitter. Criteria: ACMG Guidelines, 2015. Collection method: not provided. Allele origin: germline. Inheritance: Autosomal recessive inheritance. Affected: yes.